The following is an entry in ClinVar:

NM_000747.3(CHRNB1):c.1195T>C (p.Phe399Leu)

Gene: CHRNB1 (cholinergic receptor nicotinic beta 1 subunit; plus strand). Cytogenetic location: 17p13.1.
Variant type: single nucleotide variant.
Coding change: c.1195T>C on transcript NM_000747.3 (MANE Select); coding-DNA position 1195, T replaced by C.
Protein change: p.Phe399Leu; replaces phenylalanine 399 with leucine.
Molecular consequence: missense variant.
Genome position (GRCh38, 1-based): chr17:7,455,434, T>C. VCF-style: chr17-7455434-T-C. GRCh37 (hg19) VCF-style: chr17-7358753-T-C.
Other names: short protein forms F399L.
Identifiers: ClinVar variation 1998955 (VCV001998955.4), dbSNP rs1567679888, ClinGen allele CA397801561.

ClinVar aggregate classification (germline): Uncertain significance (1 of 4 stars; one submission).

Conditions:
Congenital myasthenic syndrome 2A. Also called: Myasthenic syndrome, congenital, 2a, slow-channel. Identifiers: Orphanet 590, MedGen C4225374, MONDO:0014581, OMIM 616313.

gnomAD v4.1: 7 of 1,614,012 alleles (0.00043%); highest among the groups gnomAD compares: Non-Finnish European, 0.00059%; no homozygotes.

Submission:

Labcorp Genetics (formerly Invitae), Labcorp
Classification: Uncertain significance for Congenital myasthenic syndrome 2A. Last evaluated: 2025-10-02. Review status: criteria provided, single submitter. Criteria: Invitae Variant Classification Sherloc (09022015). Collection method: clinical testing. Allele origin: germline.
Comment: This sequence change replaces phenylalanine, which is neutral and non-polar, with leucine, which is neutral and non-polar, at codon 399 of the CHRNB1 protein (p.Phe399Leu). This variant is not present in population databases (gnomAD no frequency). This variant has not been reported in the literature in individuals affected with CHRNB1-related conditions. ClinVar contains an entry for this variant (Variation ID: 1998955). Invitae Evidence Modeling of protein sequence and biophysical properties (such as structural, functional, and spatial information, amino acid conservation, physicochemical variation, residue mobility, and thermodynamic stability) indicates that this missense variant is not expected to disrupt CHRNB1 protein function with a negative predictive value of 80%. In summary, the available evidence is currently insufficient to determine the role of this variant in disease. Therefore, it has been classified as a Variant of Uncertain Significance.